The following is an entry in ClinVar:

NM_002292.4(LAMB2):c.4007C>G (p.Ala1336Gly)

Gene: LAMB2 (laminin subunit beta 2; minus strand). Cytogenetic location: 3p21.31.
Variant type: single nucleotide variant.
Coding change: c.4007C>G on transcript NM_002292.4 (MANE Select); coding-DNA position 4007, C replaced by G.
Protein change: p.Ala1336Gly; replaces alanine 1336 with glycine.
Molecular consequence: missense variant.
Genome position (GRCh38, 1-based): chr3:49,123,349, G>C on the plus strand (C>G on the coding strand, the complement: LAMB2 is on the minus strand). VCF-style: chr3-49123349-G-C. GRCh37 (hg19) VCF-style: chr3-49160782-G-C.
Other names: short protein forms A1336G.
Identifiers: ClinVar variation 654302 (VCV000654302.6), dbSNP rs886058672, ClinGen allele CA352697606.

ClinVar aggregate classification (germline): Uncertain significance (1 of 4 stars; one submission).

Conditions:
Pierson syndrome. Also called: MICROCORIA-CONGENITAL NEPHROTIC SYNDROME. Identifiers: Orphanet 2670, MedGen C1836876, MONDO:0012184, OMIM 609049.
LAMB2-related infantile-onset nephrotic syndrome. Also called: NEPHROTIC SYNDROME, TYPE 5, WITHOUT OCULAR ABNORMALITIES; NEPHROTIC SYNDROME, TYPE 5, WITH OCULAR ABNORMALITIES; Nephrotic Syndrome, type 5. Identifiers: Orphanet 306507, MedGen C3280113, MONDO:0013621, OMIM 614199.

Allele frequency attached by ClinVar (database versions not stated): gnomAD exomes below 0.00001.
gnomAD v4.1: 1 of 1,614,040 alleles (0.000062%); highest among the groups gnomAD compares: Non-Finnish European, 0.000085%; no homozygotes.

Submission:

Labcorp Genetics (formerly Invitae), Labcorp
Classification: Uncertain significance for LAMB2-related infantile-onset nephrotic syndrome; Pierson syndrome. Last evaluated: 2024-10-18. Review status: criteria provided, single submitter. Criteria: Invitae Variant Classification Sherloc (09022015). Collection method: clinical testing. Allele origin: germline.
Comment: This sequence change replaces alanine, which is neutral and non-polar, with glycine, which is neutral and non-polar, at codon 1336 of the LAMB2 protein (p.Ala1336Gly). This variant is not present in population databases (gnomAD no frequency). This variant has not been reported in the literature in individuals affected with LAMB2-related conditions. ClinVar contains an entry for this variant (Variation ID: 654302). An algorithm developed to predict the effect of missense changes on protein structure and function (PolyPhen-2) suggests that this variant is likely to be tolerated. In summary, the available evidence is currently insufficient to determine the role of this variant in disease. Therefore, it has been classified as a Variant of Uncertain Significance.